The following is an entry in ClinVar:

ClinVar aggregate classification (germline): Uncertain significance. Review status: criteria provided, multiple submitters, no conflicts (2 of 4 stars). 2 submissions from 2 submitters: Uncertain significance (2). Last evaluated 2024-11-25.

Allele frequency attached by ClinVar (database versions not stated): TOPMed 0.00008; ExAC 0.00009; gnomAD 0.00010 and 0.00011; gnomAD exomes 0.00010; ESP Exome Variant Server 0.00015; 1000 Genomes Project 30x 0.00016; 1000 Genomes Project 0.00020.
gnomAD v4.1: 240 of 1,614,076 alleles (0.015%); highest among the groups gnomAD compares: Non-Finnish European, 0.019%; no homozygotes.

Submissions (2):

Ambry Genetics
Classification: Uncertain significance. Last evaluated: 2024-11-25. Review status: criteria provided, single submitter. Criteria: Ambry Variant Classification Scheme 2023. Collection method: clinical testing. Allele origin: germline.

GeneDx
Classification: Uncertain significance. Last evaluated: 2017-03-02. Review status: criteria provided, single submitter. Criteria: GeneDx Variant Classification (06012015). Collection method: clinical testing. Allele origin: germline. Affected: yes.
Comment: The P727T variant in the CHD1L gene has not been reported previously as a pathogenic variant, nor as a benign variant, to our knowledge. The P727T variant is not observed at a significant frequency in large population cohorts (Lek et al., 2016; 1000 Genomes Consortium et al., 2015; Exome Variant Server). The P727T variant is a non-conservative amino acid substitution, which is likely to impact secondary protein structure as these residues differ in polarity, charge, size and/or other properties. This substitution occurs at a position that is conserved across species. In silico analysis predicts this variant is probably damaging to the protein structure/function. We interpret P727T as a variant of uncertain significance.

NM_004284.6(CHD1L):c.2179C>A (p.Pro727Thr)

Gene: CHD1L (chromodomain helicase DNA binding protein 1 like; plus strand). Cytogenetic location: 1q21.1.
Variant type: single nucleotide variant.
Coding change: c.2179C>A on transcript NM_004284.6 (MANE Select); coding-DNA position 2179, C replaced by A.
Protein change: p.Pro727Thr; replaces proline 727 with threonine.
Molecular consequence: missense variant. On other transcripts: non-coding transcript variant (16).
Genome position (GRCh38, 1-based): chr1:147,286,458, C>A. VCF-style: chr1-147286458-C-A. GRCh37 (hg19) VCF-style: chr1-146758135-C-A.
Other names: c.1879C>A, p.Pro627Thr (NM_001256336.3); c.1336C>A, p.Pro446Thr (NM_001256337.3, NM_001348456.2, NM_001348457.2 and 9 more transcripts); c.1567C>A, p.Pro523Thr (NM_001256338.3); c.1963C>A, p.Pro655Thr (NM_001348451.2, NM_001348452.2); c.1840C>A, p.Pro614Thr (NM_001348453.2, NM_024568.4); c.1723C>A, p.Pro575Thr (NM_001348454.2); c.1690C>A, p.Pro564Thr (NM_001348455.2); c.2179C>A (NM_004284.3); short protein forms P727T, P446T, P523T, P655T, P575T, P564T, P627T, P614T.
Identifiers: ClinVar variation 423976 (VCV000423976.6), dbSNP rs149913688, ClinGen allele CA1063983.
Genomic context (GRCh38, chr1:147,286,458, plus strand): 5'-CTGGATTACCAAGACCCAGATGCTACTTCCCTCAAGTACGTTAGTGGTGATGTCACCCAC[C>A]CTCAGGCTGGGGCCGAGGATGCTCTCATTGTGCACTGCGTAGGTACGAGAAGTGGTATGG-3'
Protein context (NP_004275.4, residues 717-737): LKYVSGDVTH[Pro727Thr]QAGAEDALIV